The following is an entry in ClinVar:

ClinVar aggregate classification (germline): Likely benign. Review status: criteria provided, single submitter (1 of 4 stars). 2 submissions from 2 submitters: Likely benign (1). 1 of the submissions does not count toward it. Last evaluated 2025-11-06.

Conditions:
LRRC8A-related disorder. Also called: LRRC8A-related condition.

Allele frequency attached by ClinVar (database versions not stated): gnomAD exomes 0.00002 and 0.00006; ExAC 0.00003; gnomAD 0.00060 and 0.00065; 1000 Genomes Project 30x 0.00062; 1000 Genomes Project 0.00080; TOPMed 0.00123.
gnomAD v4.1: 151 of 1,613,370 alleles (0.0094%); highest among the groups gnomAD compares: Admixed American, 0.19%; 4 homozygotes.

Submissions (2):

Labcorp Genetics (formerly Invitae), Labcorp
Classification: Likely benign. Last evaluated: 2025-11-06. Review status: criteria provided, single submitter. Criteria: Invitae Variant Classification Sherloc (09022015). Collection method: clinical testing. Allele origin: germline.

PreventionGenetics, part of Exact Sciences
Classification: Likely benign for LRRC8A-related condition. Last evaluated: 2019-06-19. Review status: no assertion criteria provided. Collection method: clinical testing. Allele origin: germline. Not counted in ClinVar's aggregate classification.
Comment: This variant is classified as likely benign based on ACMG/AMP sequence variant interpretation guidelines (Richards et al. 2015 PMID: 25741868, with internal and published modifications).

NM_019594.4(LRRC8A):c.2250G>A (p.Val750=)

Gene: LRRC8A (leucine rich repeat containing 8 VRAC subunit A; plus strand). Cytogenetic location: 9q34.11.
Variant type: single nucleotide variant.
Coding change: c.2250G>A on transcript NM_019594.4 (MANE Select); coding-DNA position 2250, G replaced by A.
Protein change: p.Val750=; no amino-acid change (valine 750 retained).
Molecular consequence: synonymous variant.
Genome position (GRCh38, 1-based): chr9:128,916,188, G>A. VCF-style: chr9-128916188-G-A. GRCh37 (hg19) VCF-style: chr9-131678467-G-A.
Other names: c.2250G>A, p.Val750= (NM_001127244.2, NM_001127245.2); c.2250G>A (NM_019594.3).
Identifiers: ClinVar variation 1045781 (VCV001045781.9), dbSNP rs200873510, ClinGen allele CA5271048.